The following is an entry in ClinVar:

NM_001458.5(FLNC):c.6262T>C (p.Cys2088Arg)

Genes: FLNC-AS1 (FLNC antisense RNA 1; minus strand), FLNC (filamin C; plus strand). Cytogenetic location: 7q32.1.
Variant type: single nucleotide variant.
Coding change: c.6262T>C on transcript NM_001458.5 (MANE Select); coding-DNA position 6262, T replaced by C.
Protein change: p.Cys2088Arg; replaces cysteine 2088 with arginine.
Molecular consequence: missense variant.
Genome position (GRCh38, 1-based): chr7:128,853,522, T>C. VCF-style: chr7-128853522-T-C. GRCh37 (hg19) VCF-style: chr7-128493576-T-C.
Other names: c.6163T>C, p.Cys2055Arg (NM_001127487.2); short protein forms C2055R, C2088R.
Identifiers: ClinVar variation 1752503 (VCV001752503.7), dbSNP rs201695815, ClinGen allele CA4475927.

ClinVar aggregate classification (germline): Conflicting classifications of pathogenicity. Review status: criteria provided, conflicting classifications (1 of 4 stars). 2 submissions from 2 submitters: Uncertain significance (1); Likely benign (1). Last evaluated 2023-12-04.

Conditions:
Distal myopathy with posterior leg and anterior hand involvement. Also called: WILLIAMS DISTAL MYOPATHY. Identifiers: Orphanet 63273, MedGen C3279722, MONDO:0013550, OMIM 614065.
Hypertrophic cardiomyopathy 26. Also called: Cardiomyopathy, familial hypertrophic, 26. Identifiers: Orphanet 75249, MedGen C4310749, MONDO:0014883, OMIM 617047.
Myofibrillar myopathy 5. Also called: Filaminopathy (type); FILAMINOPATHY, AUTOSOMAL DOMINANT. Identifiers: Orphanet 171445, MedGen C1836050, MONDO:0012289, OMIM 609524.
Cardiovascular phenotype. Identifiers: MedGen CN230736.

Allele frequency attached by ClinVar (database versions not stated): ExAC 0.00001; gnomAD 0.00001; TOPMed 0.00001.
gnomAD v4.1: 1 of 1,613,962 alleles (0.000062%); highest among the groups gnomAD compares: African/African-American, 0.0013%; no homozygotes.

Submissions (2):

Labcorp Genetics (formerly Invitae), Labcorp
Classification: Likely benign for Distal myopathy with posterior leg and anterior hand involvement; Myofibrillar myopathy 5; Hypertrophic cardiomyopathy 26. Last evaluated: 2023-12-04. Review status: criteria provided, single submitter. Criteria: Invitae Variant Classification Sherloc (09022015). Collection method: clinical testing. Allele origin: germline.

Ambry Genetics
Classification: Uncertain significance for Cardiovascular phenotype. Last evaluated: 2021-07-09. Review status: criteria provided, single submitter. Criteria: Ambry Variant Classification Scheme 2023. Collection method: clinical testing. Allele origin: germline.
Comment: The p.C2088R variant (also known as c.6262T>C), located in coding exon 38 of the FLNC gene, results from a T to C substitution at nucleotide position 6262. The cysteine at codon 2088 is replaced by arginine, an amino acid with highly dissimilar properties. This amino acid position is well conserved in available vertebrate species. In addition, this alteration is predicted to be deleterious by in silico analysis. Since supporting evidence is limited at this time, the clinical significance of this alteration remains unclear.